The following is an entry in ClinVar:

NM_001348716.2(KDM6B):c.2618C>T (p.Thr873Ile)

Gene: KDM6B (lysine demethylase 6B; plus strand). Cytogenetic location: 17p13.1.
Variant type: single nucleotide variant.
Coding change: c.2618C>T on transcript NM_001348716.2 (MANE Select); coding-DNA position 2618, C replaced by T.
Protein change: p.Thr873Ile; replaces threonine 873 with isoleucine.
Molecular consequence: missense variant.
Genome position (GRCh38, 1-based): chr17:7,848,906, C>T. VCF-style: chr17-7848906-C-T. GRCh37 (hg19) VCF-style: chr17-7752224-C-T.
Other names: c.2618C>T, p.Thr873Ile (NM_001080424.2); short protein forms T873I.
Identifiers: ClinVar variation 3774047 (VCV003774047.1).

ClinVar aggregate classification (germline): Uncertain significance (1 of 4 stars; one submission).

Submission:

GeneDx
Classification: Uncertain significance. Last evaluated: 2024-09-20. Review status: criteria provided, single submitter. Criteria: GeneDx Variant Classification Process June 2021. Collection method: clinical testing. Allele origin: germline. Affected: yes.
Comment: Not observed at significant frequency in large population cohorts (gnomAD); In silico analysis indicates that this missense variant does not alter protein structure/function; Has not been previously published as pathogenic or benign to our knowledge